The following is an entry in ClinVar:

ClinVar aggregate classification (germline): Uncertain significance (1 of 4 stars; one submission).

Conditions:
Biotinidase deficiency. Also called: BTD deficiency; Late-onset biotin-responsive multiple carboxylase deficiency; Biotin deficiency. Identifiers: Orphanet 79241, MedGen C0220754, MONDO:0009665, OMIM 253260.

Submission:

MGZ Medical Genetics Center
Classification: Uncertain significance for Biotinidase deficiency. Last evaluated: 2021-12-28. Review status: criteria provided, single submitter. Criteria: ACMG Guidelines, 2015. Collection method: clinical testing. Allele origin: germline. Affected: yes. Observed: 1 variant allele.
Comment: ACMG criteria applied: PM1, PM2_SUP, PP3

NM_001370658.1(BTD):c.557T>G (p.Leu186Arg)

Gene: BTD (biotinidase; plus strand). Cytogenetic location: 3p25.1.
Variant type: single nucleotide variant.
Coding change: c.557T>G on transcript NM_001370658.1 (MANE Select); coding-DNA position 557, T replaced by G.
Protein change: p.Leu186Arg; replaces leucine 186 with arginine.
Molecular consequence: missense variant. On other transcripts: intron variant (1).
Genome position (GRCh38, 1-based): chr3:15,644,473, T>G. VCF-style: chr3-15644473-T-G. GRCh37 (hg19) VCF-style: chr3-15685980-T-G.
Other names: c.617T>G, p.Leu206Arg (NM_000060.4); c.557T>G, p.Leu186Arg (NM_001281723.4, NM_001281724.3, NM_001281725.3 and 18 more transcripts); c.399+2416T>G (NM_001370753.1); short protein forms L186R, L206R.
Identifiers: ClinVar variation 1709090 (VCV001709090.1), dbSNP rs2471510969, ClinGen allele CA351606639.